The following is an entry in ClinVar:

ClinVar aggregate classification (germline): Likely benign (1 of 4 stars; one submission).

Conditions:
Inherited ovarian cancer (without breast cancer).

Submission:

Cambridge Genomics Laboratory, East Genomic Laboratory Hub, NHS Genomic Medicine Service
Classification: Likely benign for Inherited ovarian cancer (without breast cancer). Last evaluated: 2026-05-18. Review status: criteria provided, single submitter. Criteria: ACGS Best Practice Guidelines for Variant Classification in Rare Disease 2020. Collection method: clinical testing. Allele origin: germline. Affected: yes.
Comment: BP1_Strong,BP4

NM_000059.4(BRCA2):c.3870C>G (p.Cys1290Trp)

Gene: BRCA2 (BRCA2 DNA repair associated; plus strand). Cytogenetic location: 13q13.1.
Variant type: single nucleotide variant.
Coding change: c.3870C>G on transcript NM_000059.4 (MANE Select); coding-DNA position 3870, C replaced by G.
Protein change: p.Cys1290Trp; replaces cysteine 1290 with tryptophan.
Molecular consequence: missense variant. On other transcripts: non-coding transcript variant (1), intron variant (2).
Genome position (GRCh38, 1-based): chr13:32,338,225, C>G. VCF-style: chr13-32338225-C-G. GRCh37 (hg19) VCF-style: chr13-32912362-C-G.
Other names: c.3870C>G, p.Cys1290Trp (NM_001406719.1, NM_001406720.1, NM_001432077.1); c.1909+4838C>G (NM_001406721.1); c.425-6333C>G (NM_001406722.1); short protein forms C1290W.
Identifiers: ClinVar variation 4852795 (VCV004852795.1).
Genomic context (GRCh38, chr13:32,338,225, plus strand): 5'-TTCAATGTTTAAGATAGAAAATCATAATGATAAAACTGTAAGTGAAAAAAATAATAAATG[C>G]CAACTGATATTACAAAATAATATTGAAATGACTACTGGCACTTTTGTTGAAGAAATTACT-3'
Protein context (NP_000050.3, residues 1280-1300): DKTVSEKNNK[Cys1290Trp]QLILQNNIEM